The following is an entry in ClinVar:

NM_133259.4(LRPPRC):c.470-20A>G

Gene: LRPPRC (leucine rich pentatricopeptide repeat containing; minus strand). Cytogenetic location: 2p21.
Variant type: single nucleotide variant.
Coding change: c.470-20A>G on transcript NM_133259.4 (MANE Select); 20 bases into the intron before coding-DNA position 470, A replaced by G.
Molecular consequence: intron variant.
Genome position (GRCh38, 1-based): chr2:43,977,296, T>C on the plus strand (A>G on the coding strand, the complement: LRPPRC is on the minus strand). VCF-style: chr2-43977296-T-C. GRCh37 (hg19) VCF-style: chr2-44204435-T-C.
Identifiers: ClinVar variation 380418 (VCV000380418.10), dbSNP rs201123932, ClinGen allele CA1639334.

ClinVar aggregate classification (germline): Benign/Likely benign. Review status: criteria provided, multiple submitters, no conflicts (2 of 4 stars). 3 submissions from 3 submitters: Benign (1); Likely benign (2). Last evaluated 2026-01-26.

Allele frequency attached by ClinVar (database versions not stated): gnomAD exomes 0.00018 and 0.00046; ExAC 0.00062; gnomAD 0.00198 and 0.00208; 1000 Genomes Project 0.00200; TOPMed 0.00222; 1000 Genomes Project 30x 0.00234; ESP Exome Variant Server 0.00239.
gnomAD v4.1: 579 of 1,589,968 alleles (0.036%); highest among the groups gnomAD compares: African/African-American, 0.68%; 6 homozygotes.

Submissions (3):

Labcorp Genetics (formerly Invitae), Labcorp
Classification: Benign. Last evaluated: 2026-01-26. Review status: criteria provided, single submitter. Criteria: Invitae Variant Classification Sherloc (09022015). Collection method: clinical testing. Allele origin: germline.

Blueprint Genetics
Classification: Likely benign. Last evaluated: 2024-09-16. Review status: criteria provided, single submitter. Criteria: ACMG Guidelines, 2015. Collection method: clinical testing. Allele origin: germline.

GeneDx
Classification: Likely benign. Last evaluated: 2016-12-29. Review status: criteria provided, single submitter. Criteria: GeneDx Variant Classification (06012015). Collection method: clinical testing. Allele origin: germline. Affected: yes.
Comment: This variant is considered likely benign or benign based on one or more of the following criteria: it is a conservative change, it occurs at a poorly conserved position in the protein, it is predicted to be benign by multiple in silico algorithms, and/or has population frequency not consistent with disease.